The following is an entry in ClinVar:

ClinVar aggregate classification (germline): Uncertain significance (1 of 4 stars; one submission).

Conditions:
Malignant hyperthermia, susceptibility to, 1 (MHS1). Also called: RYR1-Related Malignant Hyperthermia Susceptibility; Malignant hyperthermia suceptibility 1; Anesthesia related hyperthermia; Malignant hyperpyrexia; Fulminating hyperpyrexia; Pharmacogenic myopathy. Identifiers: Orphanet 423, MedGen C2930980, MONDO:0007783, OMIM 145600.

Submission:

Color Diagnostics, LLC DBA Color Health
Classification: Uncertain significance for Malignant hyperthermia, susceptibility to, 1. Last evaluated: 2025-10-12. Review status: criteria provided, single submitter. Criteria: ACMG Guidelines, 2015. Collection method: clinical testing. Allele origin: germline.
Comment: This missense variant replaces phenylalanine with serine at codon 4140 of the RYR1 protein. Computational prediction suggests that this variant may have deleterious impact on protein structure and function. To our knowledge, functional studies have not been reported for this variant. This variant has not been reported in individuals affected with RYR1-related disorders in the literature. This variant has not been identified in the general population by the Genome Aggregation Database (gnomAD). The available evidence is insufficient to determine the role of this variant in disease conclusively. Therefore, this variant is classified as a Variant of Uncertain Significance.

NM_000540.3(RYR1):c.12419T>C (p.Phe4140Ser)

Gene: RYR1 (ryanodine receptor 1; plus strand). Cytogenetic location: 19q13.2.
Variant type: single nucleotide variant.
Coding change: c.12419T>C on transcript NM_000540.3 (MANE Select); coding-DNA position 12419, T replaced by C.
Protein change: p.Phe4140Ser; replaces phenylalanine 4140 with serine.
Molecular consequence: missense variant.
Genome position (GRCh38, 1-based): chr19:38,561,249, T>C. VCF-style: chr19-38561249-T-C. GRCh37 (hg19) VCF-style: chr19-39051889-T-C.
Other names: c.12404T>C, p.Phe4135Ser (NM_001042723.2); short protein forms F4135S, F4140S.
Identifiers: ClinVar variation 4758134 (VCV004758134.1).
Genomic context (GRCh38, chr19:38,561,249, plus strand): 5'-AAATGATCAACTGCGAAGAGTTCGCCAACCGCTTCCAGGAGCCAGCACGCGACATCGGCT[T>C]CAACGTGGCGGTGCTGCTGACCAACCTGTCGGAGCATGTGCCGCATGACCCTCGCCTGCA-3'
Protein context (NP_000531.2, residues 4130-4150): RFQEPARDIG[Phe4140Ser]NVAVLLTNLS